The following is an entry in ClinVar:

NM_004304.5(ALK):c.608G>A (p.Arg203Lys)

Gene: ALK (ALK receptor tyrosine kinase; minus strand). Cytogenetic location: 2p23.1.
Variant type: single nucleotide variant.
Coding change: c.608G>A on transcript NM_004304.5 (MANE Select); coding-DNA position 608, G replaced by A.
Protein change: p.Arg203Lys; replaces arginine 203 with lysine.
Molecular consequence: missense variant.
Genome position (GRCh38, 1-based): chr2:29,920,052, C>T on the plus strand (G>A on the coding strand, the complement: ALK is on the minus strand). VCF-style: chr2-29920052-C-T. GRCh37 (hg19) VCF-style: chr2-30142918-C-T.
Other names: c.608G>A (NM_004304.4); short protein forms R203K.
Identifiers: ClinVar variation 1973765 (VCV001973765.6), dbSNP rs2148442883, ClinGen allele CA346589698.

ClinVar aggregate classification (germline): Conflicting classifications of pathogenicity. Review status: criteria provided, conflicting classifications (1 of 4 stars). 2 submissions from 2 submitters: Uncertain significance (1); Likely benign (1). Last evaluated 2025-11-17.

Conditions:
Neuroblastoma, susceptibility to, 3. Also called: ALK-Related Neuroblastic Tumor Susceptibility. Identifiers: Orphanet 635, MedGen C2751681, MONDO:0013083, OMIM 613014.
Hereditary cancer-predisposing syndrome. Also called: Hereditary neoplastic syndrome; Neoplastic Syndromes, Hereditary; Tumor predisposition; Hereditary Cancer Syndrome. Identifiers: Orphanet 140162, MedGen C0027672, MeSH D009386, MONDO:0015356.

Allele frequency attached by ClinVar (database versions not stated): gnomAD exomes below 0.00001.
gnomAD v4.1: 1 of 1,614,218 alleles (0.000062%); highest among the groups gnomAD compares: Non-Finnish European, 0.000085%; no homozygotes.

Submissions (2):

Labcorp Genetics (formerly Invitae), Labcorp
Classification: Uncertain significance for Neuroblastoma, susceptibility to, 3. Last evaluated: 2025-11-17. Review status: criteria provided, single submitter. Criteria: Invitae Variant Classification Sherloc (09022015). Collection method: clinical testing. Allele origin: germline.
Comment: This sequence change replaces arginine, which is basic and polar, with lysine, which is basic and polar, at codon 203 of the ALK protein (p.Arg203Lys). This variant is not present in population databases (gnomAD no frequency). This variant has not been reported in the literature in individuals affected with ALK-related conditions. ClinVar contains an entry for this variant (Variation ID: 1973765). An algorithm developed to predict the effect of missense changes on protein structure and function outputs the following: PolyPhen-2: "Benign". The lysine amino acid residue is found in multiple mammalian species, which suggests that this missense change does not adversely affect protein function. In summary, the available evidence is currently insufficient to determine the role of this variant in disease. Therefore, it has been classified as a Variant of Uncertain Significance.

Ambry Genetics
Classification: Likely benign for Hereditary cancer-predisposing syndrome. Last evaluated: 2025-02-04. Review status: criteria provided, single submitter. Criteria: Ambry Variant Classification Scheme 2023. Collection method: clinical testing. Allele origin: germline.